The following is an entry in ClinVar:

ClinVar aggregate classification (germline): Uncertain significance (1 of 4 stars; one submission).

Submission:

Ambry Genetics
Classification: Uncertain significance. Last evaluated: 2025-05-19. Review status: criteria provided, single submitter. Criteria: Ambry Variant Classification Scheme 2023. Collection method: clinical testing. Allele origin: germline.
Comment: The p.A100S variant (also known as c.298G>T), located in coding exon 1 of the PALLD gene, results from a G to T substitution at nucleotide position 298. The alanine at codon 100 is replaced by serine, an amino acid with similar properties. This amino acid position is conserved. In addition, this alteration is predicted to be tolerated by in silico analysis. Based on the available evidence, the clinical significance of this variant remains unclear.

NM_001166108.2(PALLD):c.1965-12733G>T

Gene: PALLD (palladin, cytoskeletal associated protein; plus strand). Cytogenetic location: 4q32.3.
Variant type: single nucleotide variant.
Coding change: c.1965-12733G>T on transcript NM_001166108.2 (MANE Select); 12733 bases into the intron before coding-DNA position 1965, G replaced by T.
Molecular consequence: intron variant. On other transcripts: missense variant (1).
Genome position (GRCh38, 1-based): chr4:168,878,189, G>T. VCF-style: chr4-168878189-G-T. GRCh37 (hg19) VCF-style: chr4-169799340-G-T.
Other names: c.298G>T, p.Ala100Ser (NM_001166110.2); c.1965-12733G>T (NM_016081.4); c.819-12733G>T (NM_001166109.2); c.-157-12733G>T (NM_001367570.1, NM_001367568.1, NM_001367567.1 and 1 more transcripts); short protein forms A100S.
Identifiers: ClinVar variation 3927553 (VCV003927553.1).